The following is an entry in ClinVar:

ClinVar aggregate classification (germline): Uncertain significance (1 of 4 stars; one submission).

Submission:

Women's Health and Genetics/Laboratory Corporation of America, LabCorp
Classification: Uncertain significance. Last evaluated: 2020-02-24. Review status: criteria provided, single submitter. Criteria: LabCorp Variant Classification Summary - May 2015. Collection method: clinical testing. Allele origin: germline.
Comment: Variant summary: IDUA c.457A>G (p.Lys153Glu) results in a conservative amino acid change in the encoded protein sequence. Four of five in-silico tools predict a benign effect of the variant on protein function. The variant was absent in 250294 control chromosomes. The available data on variant occurrences in the general population are insufficient to allow any conclusion about variant significance. To our knowledge, no occurrence of c.457A>G in individuals affected with Mucopolysaccharidosis Type 1 and no experimental evidence demonstrating its impact on protein function have been reported. No clinical diagnostic laboratories have submitted clinical-significance assessments for this variant to ClinVar after 2014. Based on the evidence outlined above, the variant was classified as uncertain significance.

NM_000203.5(IDUA):c.457A>G (p.Lys153Glu)

Gene: IDUA (alpha-L-iduronidase; plus strand). Cytogenetic location: 4p16.3.
Variant type: single nucleotide variant.
Coding change: c.457A>G on transcript NM_000203.5 (MANE Select); coding-DNA position 457, A replaced by G.
Protein change: p.Lys153Glu; replaces lysine 153 with glutamic acid.
Molecular consequence: missense variant. On other transcripts: non-coding transcript variant (1).
Genome position (GRCh38, 1-based): chr4:1,000,953, A>G. VCF-style: chr4-1000953-A-G. GRCh37 (hg19) VCF-style: chr4-994741-A-G.
Other names: c.61A>G, p.Lys21Glu (NM_001363576.1); short protein forms K21E, K153E.
Identifiers: ClinVar variation 917688 (VCV000917688.1), dbSNP rs1715035049, ClinGen allele CA355961528.